The following is an entry in ClinVar:

ClinVar aggregate classification (germline): Pathogenic (1 of 4 stars; one submission).

Conditions:
Hereditary breast ovarian cancer syndrome. Also called: Hereditary breast and ovarian cancer syndrome (HBOC); Hereditary breast and/or ovarian cancer syndrome; BRCA1- and BRCA2-Associated Hereditary Breast and Ovarian Cancer; Hereditary breast and ovarian cancer syndrome; Hereditary breast and ovarian cancer; Breast and ovarian cancer. Identifiers: Orphanet 145, MedGen C0677776, MeSH D061325, MONDO:0003582. Disease mechanism: loss of function.

Submission:

Labcorp Genetics (formerly Invitae), Labcorp
Classification: Pathogenic for Hereditary breast ovarian cancer syndrome. Last evaluated: 2015-12-22. Review status: criteria provided, single submitter. Criteria: Invitae Variant Classification Sherloc (09022015). Collection method: clinical testing. Allele origin: germline.
Comment: This variant is a gross deletion of the genomic region encompassing exon 14 of the BRCA1 gene. This is predicted to create a premature translational stop signal and is expected to result in an absent or disrupted protein product. Gross deletions in BRCA1 are known to be pathogenic. This particular deletion has been reported in the literature in individuals affected with hereditary breast and ovarian cancer (PMID: 22006311, 16793929). For these reasons, this variant has been classified as Pathogenic.

NM_007294.3(BRCA1):c.4485-?_4675+?del

Gene: BRCA1 (BRCA1 DNA repair associated; minus strand).
Variant type: Deletion.
Coding change: c.4485-?_4675+?del on transcript NM_007294.3.
Other names: c.4485-?_4675+?del (LRG_292t1).
Identifiers: ClinVar variation 254041 (VCV000254041.1).